The following is an entry in ClinVar:

NM_004247.4(EFTUD2):c.2088G>T (p.Leu696=)

Gene: EFTUD2 (elongation factor Tu GTP binding domain containing 2; minus strand). Cytogenetic location: 17q21.31.
Variant type: single nucleotide variant.
Coding change: c.2088G>T on transcript NM_004247.4 (MANE Select); coding-DNA position 2088, G replaced by T.
Protein change: p.Leu696=; no amino-acid change (leucine 696 retained).
Molecular consequence: synonymous variant.
Genome position (GRCh38, 1-based): chr17:44,854,962, C>A on the plus strand (G>T on the coding strand, the complement: EFTUD2 is on the minus strand). VCF-style: chr17-44854962-C-A. GRCh37 (hg19) VCF-style: chr17-42932330-C-A.
Other names: c.1983G>T, p.Leu661= (NM_001142605.2); c.2088G>T, p.Leu696= (NM_001258353.2); c.2058G>T, p.Leu686= (NM_001258354.2).
Identifiers: ClinVar variation 2647836 (VCV002647836.27), dbSNP rs192858231, ClinGen allele CA8607586.

ClinVar aggregate classification (germline): Likely benign. Review status: criteria provided, multiple submitters, no conflicts (2 of 4 stars). 2 submissions from 2 submitters: Likely benign (2). Last evaluated 2024-01-30.

Allele frequency attached by ClinVar (database versions not stated): ExAC 0.00001; gnomAD exomes 0.00001; TOPMed 0.00001; gnomAD 0.00005; 1000 Genomes Project 30x 0.00031; 1000 Genomes Project 0.00040.
gnomAD v4.1: 29 of 1,614,214 alleles (0.0018%); highest among the groups gnomAD compares: East Asian, 0.06%; no homozygotes.

Submissions (2):

Labcorp Genetics (formerly Invitae), Labcorp
Classification: Likely benign. Last evaluated: 2024-01-30. Review status: criteria provided, single submitter. Criteria: Invitae Variant Classification Sherloc (09022015). Collection method: clinical testing. Allele origin: germline.

CeGaT Center for Human Genetics Tuebingen
Classification: Likely benign. Last evaluated: 2022-10-01. Review status: criteria provided, single submitter. Criteria: CeGaT Center For Human Genetics Tuebingen Variant Classification Criteria Version 2. Collection method: clinical testing. Allele origin: germline. Affected: yes. Observed: 1 variant allele.
Comment: EFTUD2: BP4, BP7